The following is an entry in ClinVar:

NM_000218.3(KCNQ1):c.1393+32072T>G

Genes: KCNQ1 (potassium voltage-gated channel subfamily Q member 1; plus strand), KCNQ1OT1 (KCNQ1 opposite strand/antisense transcript 1; minus strand). Cytogenetic location: 11p15.5.
Variant type: single nucleotide variant.
Coding change: c.1393+32072T>G on transcript NM_000218.3 (MANE Select); 32072 bases into the intron after coding-DNA position 1393, T replaced by G.
Molecular consequence: intron variant. On other transcripts: non-coding transcript variant (1).
Genome position (GRCh38, 1-based): chr11:2,620,926, T>G. VCF-style: chr11-2620926-T-G. GRCh37 (hg19) VCF-style: chr11-2642156-T-G.
Other names: c.1123+32072T>G (NM_001406837.1); c.1297+32072T>G (NM_001406836.1); c.853+32072T>G (NM_001406838.1); c.1012+32072T>G (NM_181798.2).
Identifiers: ClinVar variation 3770720 (VCV003770720.13).
Genomic context (GRCh38, chr11:2,620,926, plus strand): 5'-TTTTTAATAATTGCCATTCTGACTGGTGTGAGATGGCATCCCATTATGGTTTGGTGTTTT[T>G]TTGTTGTTGTTGTTTTGTTTTGTTTTTTTTTGTCTGTTTTTTGCTTTTTTGTTTGTTTGT-3'

ClinVar aggregate classification (germline): Likely benign (1 of 4 stars; one submission).

gnomAD v4.1: 51 of 380,014 alleles (0.013%); highest among the groups gnomAD compares: South Asian, 0.14%; no homozygotes.

Submission:

CeGaT Center for Human Genetics Tuebingen
Classification: Likely benign. Last evaluated: 2025-02-01. Review status: criteria provided, single submitter. Criteria: CeGaT Center For Human Genetics Tuebingen Variant Classification Criteria Version 2. Collection method: clinical testing. Allele origin: germline. Affected: yes. Observed: 1 variant allele.
Comment: KCNQ1OT1: BS1